The following is an entry in ClinVar:

NM_001042432.2(CLN3):c.740G>A (p.Ser247Asn)

Gene: CLN3 (CLN3 lysosomal/endosomal transmembrane protein, battenin; minus strand). Cytogenetic location: 16p12.1.
Variant type: single nucleotide variant.
Coding change: c.740G>A on transcript NM_001042432.2 (MANE Select); coding-DNA position 740, G replaced by A.
Protein change: p.Ser247Asn; replaces serine 247 with asparagine.
Molecular consequence: missense variant.
Genome position (GRCh38, 1-based): chr16:28,484,056, C>T on the plus strand (G>A on the coding strand, the complement: CLN3 is on the minus strand). VCF-style: chr16-28484056-C-T. GRCh37 (hg19) VCF-style: chr16-28495377-C-T.
Other names: c.740G>A, p.Ser247Asn (NM_000086.2); c.668G>A, p.Ser223Asn (NM_001286104.2); c.440G>A, p.Ser147Asn (NM_001286105.2); c.506G>A, p.Ser169Asn (NM_001286109.2); c.578G>A, p.Ser193Asn (NM_001286110.2); short protein forms S223N, S247N, S169N, S193N, S147N.
Identifiers: ClinVar variation 1359744 (VCV001359744.4), dbSNP rs1295758958, ClinGen allele CA395344801.

ClinVar aggregate classification (germline): Uncertain significance (1 of 4 stars; one submission).

Conditions:
Neuronal ceroid lipofuscinosis. Also called: Neuronal Ceroid Lipofuscinoses. Identifiers: Orphanet 216, Orphanet 79263, MedGen C0027877, MONDO:0016295. Disease mechanism: loss of function.

Allele frequency attached by ClinVar (database versions not stated): gnomAD exomes 0.00001.
gnomAD v4.1: 5 of 1,612,710 alleles (0.00031%); highest among the groups gnomAD compares: Admixed American, 0.0084%; 1 homozygote.

Submission:

Labcorp Genetics (formerly Invitae), Labcorp
Classification: Uncertain significance for Neuronal ceroid lipofuscinosis. Last evaluated: 2024-10-23. Review status: criteria provided, single submitter. Criteria: Invitae Variant Classification Sherloc (09022015). Collection method: clinical testing. Allele origin: germline.
Comment: This sequence change replaces serine, which is neutral and polar, with asparagine, which is neutral and polar, at codon 247 of the CLN3 protein (p.Ser247Asn). This variant is present in population databases (no rsID available, gnomAD 0.01%), including at least one homozygous and/or hemizygous individual. This variant has not been reported in the literature in individuals affected with CLN3-related conditions. ClinVar contains an entry for this variant (Variation ID: 1359744). Invitae Evidence Modeling of protein sequence and biophysical properties (such as structural, functional, and spatial information, amino acid conservation, physicochemical variation, residue mobility, and thermodynamic stability) indicates that this missense variant is not expected to disrupt CLN3 protein function with a negative predictive value of 80%. In summary, the available evidence is currently insufficient to determine the role of this variant in disease. Therefore, it has been classified as a Variant of Uncertain Significance.